The following is an entry in ClinVar:

NM_001005388.3(NFASC):c.3290-9C>T

Gene: NFASC (neurofascin; plus strand). Cytogenetic location: 1q32.1.
Variant type: single nucleotide variant.
Coding change: c.3290-9C>T on transcript NM_001005388.3 (MANE Select); 9 bases into the intron before coding-DNA position 3290, C replaced by T.
Molecular consequence: intron variant.
Genome position (GRCh38, 1-based): chr1:205,009,548, C>T. VCF-style: chr1-205009548-C-T. GRCh37 (hg19) VCF-style: chr1-204978676-C-T.
Other names: c.3611-9C>T (NM_001378329.1); c.3092-9C>T (NM_001160332.2); c.3077-9C>T (NM_015090.4); c.2756-9C>T (NM_001365986.1); c.3137-9C>T (NM_001160331.2).
Identifiers: ClinVar variation 3045126 (VCV003045126.2), dbSNP rs193298144, ClinGen allele CA1350749.

ClinVar aggregate classification (germline): Likely benign (0 of 4 stars; one submission).

Conditions:
NFASC-related disorder. Also called: NFASC-related condition.

Allele frequency attached by ClinVar (database versions not stated): ExAC 0.00061; gnomAD 0.00186; ESP Exome Variant Server 0.00254; 1000 Genomes Project 0.00260; 1000 Genomes Project 30x 0.00265.
gnomAD v4.1: 567 of 1,613,888 alleles (0.035%); highest among the groups gnomAD compares: African/African-American, 0.63%; 1 homozygote.

Submission:

PreventionGenetics, part of Exact Sciences
Classification: Likely benign for NFASC-related condition. Last evaluated: 2019-04-01. Review status: no assertion criteria provided. Collection method: clinical testing. Allele origin: germline.
Comment: This variant is classified as likely benign based on ACMG/AMP sequence variant interpretation guidelines (Richards et al. 2015 PMID: 25741868, with internal and published modifications).